The following is an entry in ClinVar:

NM_144670.6(A2ML1):c.484-179A>T

Gene: A2ML1 (alpha-2-macroglobulin like 1; plus strand). Cytogenetic location: 12p13.31.
Variant type: single nucleotide variant.
Coding change: c.484-179A>T on transcript NM_144670.6 (MANE Select); 179 bases into the intron before coding-DNA position 484, A replaced by T.
Molecular consequence: intron variant.
Genome position (GRCh38, 1-based): chr12:8,835,328, A>T. VCF-style: chr12-8835328-A-T. GRCh37 (hg19) VCF-style: chr12-8987924-A-T.
Other names: NC_000012.11:g.8987924A>T.
Identifiers: ClinVar variation 561573 (VCV000561573.2), dbSNP rs73037002, ClinGen allele CA232669339.
Genomic context (GRCh38, chr12:8,835,328, plus strand): 5'-CATTAAAATCCACAAGATTTCCTACCAAATGGGGGCTGGATCTATAGAAATATTTACCTC[A>T]TTCCGCCATAAAGAAAGTTATAAATAACACAGGGAGCTGCTCTTCCTGGACACAGACCAC-3'

ClinVar aggregate classification (germline): Likely benign (1 of 4 stars; one submission).

Allele frequency attached by ClinVar (database versions not stated): 1000 Genomes Project 0.00260; 1000 Genomes Project 30x 0.00297; TOPMed 0.00598; gnomAD 0.00618 and 0.00685.
gnomAD v4.1: 994 of 152,334 alleles (0.65%); highest among the groups gnomAD compares: Non-Finnish European, 0.8%; 2 homozygotes.

Submissions (3):

GeneDx
Classification: Likely benign. Last evaluated: 2018-06-14. Review status: criteria provided, single submitter. Criteria: GeneDx Variant Classification (06012015). Collection method: clinical testing. Allele origin: germline. Affected: yes.
Comment: This variant is considered likely benign or benign based on one or more of the following criteria: it is a conservative change, it occurs at a poorly conserved position in the protein, it is predicted to be benign by multiple in silico algorithms, and/or has population frequency not consistent with disease.

Dr. Peter K. Rogan Lab, Western University
No classification provided (evidence only). Condition: Cervical cancer. Review status: no classification provided. Collection method: in vitro. Allele origin: not applicable. Functional consequence: retained intron. Not counted in ClinVar's aggregate classification.

Dr. Peter K. Rogan Lab, Western University
No classification provided (evidence only). Condition: Uterine carcinosarcoma. Review status: no classification provided. Collection method: in vitro. Allele origin: not applicable. Functional consequence: retained intron. Not counted in ClinVar's aggregate classification.